The following is an entry in ClinVar:

ClinVar aggregate classification (germline): Likely benign. Review status: criteria provided, multiple submitters, no conflicts (2 of 4 stars). 3 submissions from 3 submitters: Likely benign (2). 1 of the submissions does not count toward it. Last evaluated 2025-10-22.

Conditions:
RPGRIP1L-related disorder. Also called: RPGRIP1L-related condition; RPGRIP1L-related disorders. Identifiers: MedGen CN239416.
Meckel-Gruber syndrome. Also called: DYSENCEPHALIA SPLANCHNOCYSTICA; GRUBER SYNDROME; Dysencephalia splachnocystica. Identifiers: Orphanet 564, MedGen C0265215, MONDO:0018921.
Joubert syndrome. Also called: JOUBERT-BOLTSHAUSER SYNDROME; Familial aplasia of the vermis. Identifiers: Orphanet 475, MedGen C5979921, MONDO:0018772.

Allele frequency attached by ClinVar (database versions not stated): TOPMed below 0.00001; gnomAD 0.00001 and 0.00002; gnomAD exomes 0.00001; ExAC 0.00002.
gnomAD v4.1: 18 of 1,613,986 alleles (0.0011%); highest among the groups gnomAD compares: Middle Eastern, 0.016%; no homozygotes.

Submissions (3):

Labcorp Genetics (formerly Invitae), Labcorp
Classification: Likely benign for Joubert syndrome; Meckel-Gruber syndrome. Last evaluated: 2025-10-22. Review status: criteria provided, single submitter. Criteria: Invitae Variant Classification Sherloc (09022015). Collection method: clinical testing. Allele origin: germline.

Blueprint Genetics
Classification: Likely benign. Last evaluated: 2019-06-13. Review status: criteria provided, single submitter. Criteria: ACMG Guidelines, 2015. Collection method: clinical testing. Allele origin: germline.

PreventionGenetics, part of Exact Sciences
Classification: Likely benign for RPGRIP1L-related condition. Last evaluated: 2022-12-09. Review status: no assertion criteria provided. Collection method: clinical testing. Allele origin: germline. Not counted in ClinVar's aggregate classification.
Comment: This variant is classified as likely benign based on ACMG/AMP sequence variant interpretation guidelines (Richards et al. 2015 PMID: 25741868, with internal and published modifications).

NM_015272.5(RPGRIP1L):c.1881A>G (p.Lys627=)

Gene: RPGRIP1L (RPGRIP1 like; minus strand). Cytogenetic location: 16q12.2.
Variant type: single nucleotide variant.
Coding change: c.1881A>G on transcript NM_015272.5 (MANE Select); coding-DNA position 1881, A replaced by G.
Protein change: p.Lys627=; no amino-acid change (lysine 627 retained).
Molecular consequence: synonymous variant.
Genome position (GRCh38, 1-based): chr16:53,652,806, T>C on the plus strand (A>G on the coding strand, the complement: RPGRIP1L is on the minus strand). VCF-style: chr16-53652806-T-C. GRCh37 (hg19) VCF-style: chr16-53686718-T-C.
Other names: c.1881A>G (NM_015272.4); c.1881A>G, p.Lys627= (NM_001127897.4, NM_001308334.3, NM_001330538.2).
Identifiers: ClinVar variation 704638 (VCV000704638.14), dbSNP rs774731949, ClinGen allele CA8057680.